The following is an entry in ClinVar:

ClinVar aggregate classification (germline): Pathogenic (1 of 4 stars; one submission).

Conditions:
Gorlin syndrome. Also called: Basal cell nevus syndrome; Nevoid Basal Cell Carcinoma Syndrome. Identifiers: Orphanet 377, MedGen C0004779, MONDO:0007187.

Submission:

Labcorp Genetics (formerly Invitae), Labcorp
Classification: Pathogenic for Gorlin syndrome. Last evaluated: 2022-02-02. Review status: criteria provided, single submitter. Criteria: Invitae Variant Classification Sherloc (09022015). Collection method: clinical testing. Allele origin: germline.
Comment: This variant has not been reported in the literature in individuals affected with PTCH1-related conditions. This sequence change creates a premature translational stop signal (p.Phe376Serfs*56) in the PTCH1 gene. It is expected to result in an absent or disrupted protein product. Loss-of-function variants in PTCH1 are known to be pathogenic (PMID: 16301862, 16419085). This variant is not present in population databases (gnomAD no frequency). For these reasons, this variant has been classified as Pathogenic.

Literature cited by the submitters: PubMed 16301862; PubMed 16419085.

NM_000264.5(PTCH1):c.1127del (p.Phe376fs)

Gene: PTCH1 (patched 1; minus strand). Cytogenetic location: 9q22.32.
Variant type: Deletion.
Coding change: c.1127del on transcript NM_000264.5 (MANE Select); coding-DNA position 1127, one base deleted (T; older notation c.1127delT).
Protein change: p.Phe376fs; shifts the reading frame from phenylalanine 376.
Molecular consequence: frameshift variant. On other transcripts: non-coding transcript variant (1).
Genome position (GRCh38, 1-based): chr9:95,479,088, A deleted on the plus strand (T on the coding strand, the reverse complement: PTCH1 is on the minus strand); the first of 2 consecutive A bases (chr9:95,479,088-95,479,089); deleting either gives the same sequence. VCF-style (leftmost placement, unchanged base first): chr9-95479087-GA-G. GRCh37 (hg19) VCF-style: chr9-98241369-GA-G.
Other names: c.929del, p.Phe310fs (NM_001083602.3); c.1124del, p.Phe375fs (NM_001083603.3); c.674del, p.Phe225fs (NM_001083604.3, NM_001083605.3, NM_001083606.3 and 1 more transcripts); c.1127del, p.Phe376fs (NM_001354918.2); short protein forms F375fs, F376fs, F225fs, F310fs.
Identifiers: ClinVar variation 2091714 (VCV002091714.4), dbSNP rs2538217380, ClinGen allele CA2580080867.